The following is an entry in ClinVar:

NM_007325.5(GRIA3):c.1432G>A (p.Gly478Arg)

Gene: GRIA3 (glutamate ionotropic receptor AMPA type subunit 3; plus strand). Cytogenetic location: Xq25.
Variant type: single nucleotide variant.
Coding change: c.1432G>A on transcript NM_007325.5 (MANE Select); coding-DNA position 1432, G replaced by A.
Protein change: p.Gly478Arg; replaces glycine 478 with arginine.
Molecular consequence: missense variant.
Genome position (GRCh38, 1-based): chrX:123,404,846, G>A. VCF-style: chrX-123404846-G-A. GRCh37 (hg19) VCF-style: chrX-122538697-G-A.
Other names: c.1432G>A, p.Gly478Arg (NM_000828.5); c.1432G>A (NM_000828.4); short protein forms G478R.
Identifiers: ClinVar variation 4952614 (VCV004952614.2).

ClinVar aggregate classification (germline): Uncertain significance. Review status: criteria provided, multiple submitters, no conflicts (2 of 4 stars). 2 submissions from 2 submitters: Uncertain significance (2). Last evaluated 2026-03-23.

Submissions (2):

GeneDx
Classification: Uncertain significance. Last evaluated: 2026-03-23. Review status: criteria provided, single submitter. Criteria: GeneDx Variant Classification Process June 2021. Collection method: clinical testing. Allele origin: germline.
Comment: Not observed at significant frequency in large population cohorts (gnomAD); In silico analysis supports that this missense variant has a deleterious effect on protein structure/function; Has not been previously published as pathogenic or benign to our knowledge

Blueprint Genetics
Classification: Uncertain significance. Last evaluated: 2024-09-11. Review status: criteria provided, single submitter. Criteria: ACMG Guidelines, 2015. Collection method: clinical testing. Allele origin: germline.